The following is an entry in ClinVar:

ClinVar aggregate classification (germline): Uncertain significance. Review status: criteria provided, multiple submitters, no conflicts (2 of 4 stars). 2 submissions from 2 submitters: Uncertain significance (2). Last evaluated 2024-09-04.

Conditions:
Familial adenomatous polyposis 1 (FAP1). Also called: FAMILIAL ADENOMATOUS POLYPOSIS 1, ATTENUATED; POLYPOSIS, ADENOMATOUS INTESTINAL. Identifiers: MedGen C2713442, MONDO:0021056, OMIM 175100. Disease mechanism: loss of function.

Submissions (2):

Labcorp Genetics (formerly Invitae), Labcorp
Classification: Uncertain significance for Familial adenomatous polyposis 1. Last evaluated: 2024-09-04. Review status: criteria provided, single submitter. Criteria: Invitae Variant Classification Sherloc (09022015). Collection method: clinical testing. Allele origin: germline.
Comment: This sequence change replaces valine, which is neutral and non-polar, with leucine, which is neutral and non-polar, at codon 2659 of the APC protein (p.Val2659Leu). This variant is not present in population databases (gnomAD no frequency). This variant has not been reported in the literature in individuals affected with APC-related conditions. Invitae Evidence Modeling of protein sequence and biophysical properties (such as structural, functional, and spatial information, amino acid conservation, physicochemical variation, residue mobility, and thermodynamic stability) indicates that this missense variant is not expected to disrupt APC protein function with a negative predictive value of 95%. In summary, the available evidence is currently insufficient to determine the role of this variant in disease. Therefore, it has been classified as a Variant of Uncertain Significance.

Baylor Genetics
Classification: Uncertain significance for Familial adenomatous polyposis 1. Last evaluated: 2023-08-07. Review status: criteria provided, single submitter. Criteria: ACMG Guidelines, 2015. Collection method: clinical testing. Allele origin: unknown.

NM_000038.6(APC):c.7975G>T (p.Val2659Leu)

Gene: APC (APC regulator of Wnt signaling pathway; plus strand). Cytogenetic location: 5q22.2.
Variant type: single nucleotide variant.
Coding change: c.7975G>T on transcript NM_000038.6 (MANE Select); coding-DNA position 7975, G replaced by T.
Protein change: p.Val2659Leu; replaces valine 2659 with leucine.
Molecular consequence: missense variant. On other transcripts: non-coding transcript variant (2).
Genome position (GRCh38, 1-based): chr5:112,843,569, G>T. VCF-style: chr5-112843569-G-T. GRCh37 (hg19) VCF-style: chr5-112179266-G-T.
Other names: c.7975G>T, p.Val2659Leu (NM_001127510.3, NM_001354895.2, NM_001407450.1); c.7921G>T, p.Val2641Leu (NM_001127511.3); c.8029G>T, p.Val2677Leu (NM_001354896.2, NM_001407447.1, NM_001407448.1 and 1 more transcripts); c.8005G>T, p.Val2669Leu (NM_001354897.2); c.7900G>T, p.Val2634Leu (NM_001354898.2); c.7891G>T, p.Val2631Leu (NM_001354899.2); c.7852G>T, p.Val2618Leu (NM_001354900.2); c.7798G>T, p.Val2600Leu (NM_001354901.2, NM_001407453.1); and 11 more; short protein forms V2275L, V2376L, V2499L, V2530L, V2533L, V2558L, V2568L, V2576L.
Identifiers: ClinVar variation 2677462 (VCV002677462.4), dbSNP rs2149997254, ClinGen allele CA16038653.
Genomic context (GRCh38, chr5:112,843,569, plus strand): 5'-GAATCAAAGACTCTAATTTATCAAATGGCACCTGCTGTTTCTAAAACAGAGGATGTTTGG[G>T]TGAGAATTGAGGACTGTCCCATTAACAATCCTAGATCTGGAAGATCTCCCACAGGTAATA-3'
Protein context (NP_000029.2, residues 2649-2669): PAVSKTEDVW[Val2659Leu]RIEDCPINNP